The following is an entry in ClinVar:

ClinVar aggregate classification (germline): Uncertain significance (1 of 4 stars; one submission).

Conditions:
Inflammatory skin and bowel disease, neonatal, 1. Identifiers: Orphanet 294023, MedGen C3280501, MONDO:0013693, OMIM 614328.

Submission:

Labcorp Genetics (formerly Invitae), Labcorp
Classification: Uncertain significance for Inflammatory skin and bowel disease, neonatal, 1. Last evaluated: 2023-02-10. Review status: criteria provided, single submitter. Criteria: Invitae Variant Classification Sherloc (09022015). Collection method: clinical testing. Allele origin: germline.
Comment: This sequence change replaces cysteine, which is neutral and slightly polar, with glycine, which is neutral and non-polar, at codon 365 of the ADAM17 protein (p.Cys365Gly). This variant is not present in population databases (gnomAD no frequency). This variant has not been reported in the literature in individuals affected with ADAM17-related conditions. ClinVar contains an entry for this variant (Variation ID: 1719151). An algorithm developed to predict the effect of missense changes on protein structure and function (PolyPhen-2) suggests that this variant is likely to be disruptive. In summary, the available evidence is currently insufficient to determine the role of this variant in disease. Therefore, it has been classified as a Variant of Uncertain Significance.

NM_003183.6(ADAM17):c.1093T>G (p.Cys365Gly)

Gene: ADAM17 (ADAM metallopeptidase domain 17; minus strand). Cytogenetic location: 2p25.1.
Variant type: single nucleotide variant.
Coding change: c.1093T>G on transcript NM_003183.6 (MANE Select); coding-DNA position 1093, T replaced by G.
Protein change: p.Cys365Gly; replaces cysteine 365 with glycine.
Molecular consequence: missense variant.
Genome position (GRCh38, 1-based): chr2:9,518,112, A>C on the plus strand (T>G on the coding strand, the complement: ADAM17 is on the minus strand). VCF-style: chr2-9518112-A-C. GRCh37 (hg19) VCF-style: chr2-9658241-A-C.
Other names: c.196T>G, p.Cys66Gly (NM_001382778.1); c.433T>G, p.Cys145Gly (NM_001382777.1); short protein forms C145G, C365G, C66G.
Identifiers: ClinVar variation 1719151 (VCV001719151.5), dbSNP rs2527328035, ClinGen allele CA345780042.